The following is an entry in ClinVar:

NM_000231.3(SGCG):c.117T>G (p.Phe39Leu)

Gene: SGCG (sarcoglycan gamma; plus strand). Cytogenetic location: 13q12.12.
Variant type: single nucleotide variant.
Coding change: c.117T>G on transcript NM_000231.3 (MANE Select); coding-DNA position 117, T replaced by G.
Protein change: p.Phe39Leu; replaces phenylalanine 39 with leucine.
Molecular consequence: missense variant.
Genome position (GRCh38, 1-based): chr13:23,203,811, T>G. VCF-style: chr13-23203811-T-G. GRCh37 (hg19) VCF-style: chr13-23777950-T-G.
Other names: c.171T>G, p.Phe57Leu (NM_001378244.1); c.117T>G, p.Phe39Leu (NM_001378245.1, NM_001378246.1); short protein forms F39L, F57L.
Identifiers: ClinVar variation 966832 (VCV000966832.10), dbSNP rs1877867873, ClinGen allele CA387502620.

ClinVar aggregate classification (germline): Uncertain significance (1 of 4 stars; one submission).

Conditions:
Autosomal recessive limb-girdle muscular dystrophy type 2C (LGMDR5). Also called: MUSCULAR DYSTROPHY, DUCHENNE-LIKE; MUSCULAR DYSTROPHY, LIMB-GIRDLE, AUTOSOMAL RECESSIVE 5. Identifiers: Orphanet 353, MedGen C0410173, MONDO:0009677, OMIM 253700. Disease mechanism: Affects gamma-sarcoglycan and also disrupts the integrity of the entire sarcoglycan complex..

Submission:

Labcorp Genetics (formerly Invitae), Labcorp
Classification: Uncertain significance for Autosomal recessive limb-girdle muscular dystrophy type 2C. Last evaluated: 2019-11-12. Review status: criteria provided, single submitter. Criteria: Invitae Variant Classification Sherloc (09022015). Collection method: clinical testing. Allele origin: germline.
Comment: In summary, the available evidence is currently insufficient to determine the role of this variant in disease. Therefore, it has been classified as a Variant of Uncertain Significance. Algorithms developed to predict the effect of missense changes on protein structure and function output the following: SIFT: "Tolerated"; PolyPhen-2: "Benign"; Align-GVGD: "Class C0". The leucine amino acid residue is found in multiple mammalian species, suggesting that this missense change does not adversely affect protein function. These predictions have not been confirmed by published functional studies and their clinical significance is uncertain. This variant has not been reported in the literature in individuals with SGCG-related conditions. This variant is not present in population databases (ExAC no frequency). This sequence change replaces phenylalanine with leucine at codon 39 of the SGCG protein (p.Phe39Leu). The phenylalanine residue is highly conserved and there is a small physicochemical difference between phenylalanine and leucine.